The following is an entry in ClinVar:

ClinVar aggregate classification (germline): Uncertain significance. Review status: criteria provided, multiple submitters, no conflicts (2 of 4 stars). 2 submissions from 2 submitters: Uncertain significance (2). Last evaluated 2025-11-09.

Conditions:
Adams-Oliver syndrome 5 (AOS5). Identifiers: Orphanet 974, MedGen C4014970, MONDO:0014459, OMIM 616028.
Familial thoracic aortic aneurysm and aortic dissection (TAAD). Also called: Thoracic aortic aneurysms and dissections. Identifiers: Orphanet 91387, MedGen C4707243, MONDO:0019625.

Allele frequency attached by ClinVar (database versions not stated): gnomAD exomes below 0.00001; gnomAD 0.00001; TOPMed 0.00005.
gnomAD v4.1: 3 of 1,542,060 alleles (0.00019%); highest among the groups gnomAD compares: Admixed American, 0.0039%; no homozygotes.

Submissions (2):

Labcorp Genetics (formerly Invitae), Labcorp
Classification: Uncertain significance for Adams-Oliver syndrome 5. Last evaluated: 2025-11-09. Review status: criteria provided, single submitter. Criteria: Invitae Variant Classification Sherloc (09022015). Collection method: clinical testing. Allele origin: germline.
Comment: This sequence change replaces histidine, which is basic and polar, with tyrosine, which is neutral and polar, at codon 562 of the NOTCH1 protein (p.His562Tyr). This variant is not present in population databases (gnomAD no frequency). This variant has not been reported in the literature in individuals affected with NOTCH1-related conditions. ClinVar contains an entry for this variant (Variation ID: 1777971). Invitae Evidence Modeling of protein sequence and biophysical properties (such as structural, functional, and spatial information, amino acid conservation, physicochemical variation, residue mobility, and thermodynamic stability) indicates that this missense variant is not expected to disrupt NOTCH1 protein function with a negative predictive value of 80%. In summary, the available evidence is currently insufficient to determine the role of this variant in disease. Therefore, it has been classified as a Variant of Uncertain Significance.

Ambry Genetics
Classification: Uncertain significance for Familial thoracic aortic aneurysm and aortic dissection. Last evaluated: 2025-08-31. Review status: criteria provided, single submitter. Criteria: Ambry Variant Classification Scheme 2023. Collection method: clinical testing. Allele origin: germline.

NM_017617.5(NOTCH1):c.1684C>T (p.His562Tyr)

Gene: NOTCH1 (notch receptor 1; minus strand). Cytogenetic location: 9q34.3.
Variant type: single nucleotide variant.
Coding change: c.1684C>T on transcript NM_017617.5 (MANE Select); coding-DNA position 1684, C replaced by T.
Protein change: p.His562Tyr; replaces histidine 562 with tyrosine.
Molecular consequence: missense variant.
Genome position (GRCh38, 1-based): chr9:136,515,702, G>A on the plus strand (C>T on the coding strand, the complement: NOTCH1 is on the minus strand). VCF-style: chr9-136515702-G-A. GRCh37 (hg19) VCF-style: chr9-139410154-G-A.
Other names: short protein forms H562Y.
Identifiers: ClinVar variation 1777971 (VCV001777971.6), dbSNP rs1843256337, ClinGen allele CA375560573.
Genomic context (GRCh38, chr9:136,515,702, plus strand): 5'-CCTTGCAGGAGCCGTAGTGGCAGGGGTCGGGGTCGCACTCATCGATGTCCACCTCGCAGT[G>A]CGTCCCCGTGTACCCTGGACCGTGGGAGGGGCGGGCACAGGAAGACTTAGGACTGGCGGC-3'
Protein context (NP_060087.3, residues 552-572): CVCTEGYTGT[His562Tyr]CEVDIDECDP